The following is an entry in ClinVar:

ClinVar aggregate classification (germline): Uncertain significance (1 of 4 stars; one submission).

Conditions:
STAT3 gain of function. Identifiers: MedGen C4288261.
Hyper-IgE recurrent infection syndrome 1, autosomal dominant. Also called: STAT3 Hyper IgE Syndrome; HYPER-IgE SYNDROME 1, AUTOSOMAL DOMINANT, WITH RECURRENT INFECTIONS; JOB SYNDROME; Job's Syndrome; Hyper-IgE recurrent infection syndrome 1. Identifiers: Orphanet 2314, MedGen C2936739, MONDO:0007818, OMIM 147060.

Allele frequency attached by ClinVar (database versions not stated): gnomAD exomes 0.00001.
gnomAD v4.1: 4 of 1,614,176 alleles (0.00025%); highest among the groups gnomAD compares: Non-Finnish European, 0.00034%; no homozygotes.

Submission:

Labcorp Genetics (formerly Invitae), Labcorp
Classification: Uncertain significance for STAT3 gain of function; Hyper-IgE recurrent infection syndrome 1, autosomal dominant. Last evaluated: 2021-07-14. Review status: criteria provided, single submitter. Criteria: Invitae Variant Classification Sherloc (09022015). Collection method: clinical testing. Allele origin: germline.
Comment: In summary, the available evidence is currently insufficient to determine the role of this variant in disease. Therefore, it has been classified as a Variant of Uncertain Significance. Advanced modeling of protein sequence and biophysical properties (such as structural, functional, and spatial information, amino acid conservation, physicochemical variation, residue mobility, and thermodynamic stability) performed at Invitae indicates that this missense variant is expected to disrupt STAT3 protein function. This variant has not been reported in the literature in individuals affected with STAT3-related conditions. This variant is not present in population databases (ExAC no frequency). This sequence change replaces leucine with valine at codon 337 of the STAT3 protein (p.Leu337Val). The leucine residue is moderately conserved and there is a small physicochemical difference between leucine and valine.

NM_139276.3(STAT3):c.1009C>G (p.Leu337Val)

Gene: STAT3 (signal transducer and activator of transcription 3; minus strand). Cytogenetic location: 17q21.2.
Variant type: single nucleotide variant.
Coding change: c.1009C>G on transcript NM_139276.3 (MANE Select); coding-DNA position 1009, C replaced by G.
Protein change: p.Leu337Val; replaces leucine 337 with valine.
Molecular consequence: missense variant.
Genome position (GRCh38, 1-based): chr17:42,333,713, G>C on the plus strand (C>G on the coding strand, the complement: STAT3 is on the minus strand). VCF-style: chr17-42333713-G-C. GRCh37 (hg19) VCF-style: chr17-40485731-G-C.
Other names: c.1009C>G, p.Leu337Val (NM_001369512.1, NM_001369513.1, NM_001369514.1 and 15 more transcripts); c.931C>G, p.Leu311Val (NM_001384985.1); c.913C>G, p.Leu305Val (NM_001384989.1); short protein forms L311V, L337V, L305V.
Identifiers: ClinVar variation 1495590 (VCV001495590.8), dbSNP rs1354754513, ClinGen allele CA399590638.